The following is an entry in ClinVar:

ClinVar aggregate classification (germline): Benign/Likely benign. Review status: criteria provided, multiple submitters, no conflicts (2 of 4 stars). 7 submissions from 7 submitters: Benign (3); Likely benign (4). Last evaluated 2026-03-01.

Allele frequency attached by ClinVar (database versions not stated): gnomAD 0.00290; TOPMed 0.00297; ESP Exome Variant Server 0.00308; 1000 Genomes Project 0.00359; 1000 Genomes Project 30x 0.00359.
gnomAD v4.1: 976 of 1,611,856 alleles (0.061%); highest among the groups gnomAD compares: African/African-American, 0.94%; 1 homozygote.

Submissions (7):

CeGaT Center for Human Genetics Tuebingen
Classification: Likely benign. Last evaluated: 2026-03-01. Review status: criteria provided, single submitter. Criteria: CeGaT Center For Human Genetics Tuebingen Variant Classification Criteria Version 2. Collection method: clinical testing. Allele origin: germline. Affected: yes. Observed: 1 variant allele.
Comment: MSRB3: BP4, BP7

Labcorp Genetics (formerly Invitae), Labcorp
Classification: Benign. Last evaluated: 2025-10-01. Review status: criteria provided, single submitter. Criteria: Invitae Variant Classification Sherloc (09022015). Collection method: clinical testing. Allele origin: germline.

Blueprint Genetics
Classification: Likely benign. Last evaluated: 2024-11-25. Review status: criteria provided, single submitter. Criteria: ACMG Guidelines, 2015. Collection method: clinical testing. Allele origin: germline.

GeneDx
Classification: Benign. Last evaluated: 2018-07-10. Review status: criteria provided, single submitter. Criteria: GeneDx Variant Classification Process June 2021. Collection method: clinical testing. Allele origin: germline. Affected: yes.

Eurofins Ntd Llc (ga)
Classification: Likely benign. Last evaluated: 2018-04-04. Review status: criteria provided, single submitter. Criteria: EGL ClinVar v180209 classification definitions. Collection method: clinical testing. Allele origin: germline. Observed: 1 variant allele, 1 heterozygote.

Laboratory for Molecular Medicine, Mass General Brigham Personalized Medicine
Classification: Benign. Last evaluated: 2012-04-30. Review status: criteria provided, single submitter. Criteria: LMM Criteria. Collection method: clinical testing. Allele origin: germline. Observed: 4 variant alleles.
Comment: Thr60Thr in Exon 04 of MSRB3: This variant is not expected to have clinical sign ificance because it does not alter an amino acid residue, is not located within the splice consensus sequence, and has been identified in 1.0% (36/3738) of Afri can American chromosomes from a broad population by the NHLBI Exome Sequencing P roject (dbSNP rs147698935).

Breakthrough Genomics
Classification: Likely benign. Review status: criteria provided, single submitter. Criteria: ACMG Guidelines, 2015. Collection method: not provided. Allele origin: germline. Inheritance: Autosomal recessive inheritance. Affected: yes.

NM_001031679.3(MSRB3):c.180C>T (p.Thr60=)

Gene: MSRB3 (methionine sulfoxide reductase B3; plus strand). Cytogenetic location: 12q14.3.
Variant type: single nucleotide variant.
Coding change: c.180C>T on transcript NM_001031679.3 (MANE Select); coding-DNA position 180, C replaced by T.
Protein change: p.Thr60=; no amino-acid change (threonine 60 retained).
Molecular consequence: synonymous variant.
Genome position (GRCh38, 1-based): chr12:65,326,929, C>T. VCF-style: chr12-65326929-C-T. GRCh37 (hg19) VCF-style: chr12-65720709-C-T.
Other names: c.180C>T, p.Thr60= (NM_001193460.2, NM_001193461.2); c.201C>T, p.Thr67= (NM_198080.4).
Identifiers: ClinVar variation 163979 (VCV000163979.25), dbSNP rs147698935, ClinGen allele CA176735.
Genomic context (GRCh38, chr12:65,326,929, plus strand): 5'-GCAGGAACTGAGGAAGCGGCTAACACCCCTGCAGTACCATGTCACTCAGGAGAAAGGGAC[C>T]GAAAGGTAAGGTGAGCTTTAATAAAAAGTCATTAAGAGCTAGATTTCTTCTCCCCCTGCC-3'
Protein context (NP_001026849.1, residues 50-70): LQYHVTQEKG[Thr60=]ESAFEGEYTH